The following is an entry in ClinVar:

ClinVar aggregate classification (germline): Likely benign (1 of 4 stars; one submission).

Allele frequency attached by ClinVar (database versions not stated): gnomAD 0.00016; ExAC 0.00022; TOPMed 0.00023; gnomAD exomes 0.00033; ESP Exome Variant Server 0.00038.
gnomAD v4.1: 462 of 1,506,968 alleles (0.031%); highest among the groups gnomAD compares: Non-Finnish European, 0.04%; no homozygotes.

Submission:

CeGaT Center for Human Genetics Tuebingen
Classification: Likely benign. Last evaluated: 2024-01-01. Review status: criteria provided, single submitter. Criteria: CeGaT Center For Human Genetics Tuebingen Variant Classification Criteria Version 2. Collection method: clinical testing. Allele origin: germline. Affected: yes. Observed: 1 variant allele.
Comment: LINGO2: BP4, BP7

NM_001258282.3(LINGO2):c.12G>A (p.Thr4=)

Gene: LINGO2 (leucine rich repeat and Ig domain containing 2; minus strand). Cytogenetic location: 9p21.2.
Variant type: single nucleotide variant.
Coding change: c.12G>A on transcript NM_001258282.3 (MANE Select); coding-DNA position 12, G replaced by A.
Protein change: p.Thr4=; no amino-acid change (threonine 4 retained).
Molecular consequence: synonymous variant.
Genome position (GRCh38, 1-based): chr9:27,950,660, C>T on the plus strand (G>A on the coding strand, the complement: LINGO2 is on the minus strand). VCF-style: chr9-27950660-C-T. GRCh37 (hg19) VCF-style: chr9-27950658-C-T.
Other names: c.12G>A, p.Thr4= (NM_001354574.2, NM_001354575.2, NM_152570.4).
Identifiers: ClinVar variation 3025483 (VCV003025483.22), dbSNP rs150391726, ClinGen allele CA5018404.